The following is an entry in ClinVar:

NM_000051.4(ATM):c.5951C>T (p.Thr1984Ile)

Genes: ATM (ATM serine/threonine kinase; plus strand), C11orf65 (chromosome 11 open reading frame 65; minus strand). Cytogenetic location: 11q22.3.
Variant type: single nucleotide variant.
Coding change: c.5951C>T on transcript NM_000051.4 (MANE Select); coding-DNA position 5951, C replaced by T.
Protein change: p.Thr1984Ile; replaces threonine 1984 with isoleucine.
Molecular consequence: missense variant. On other transcripts: intron variant (2).
Genome position (GRCh38, 1-based): chr11:108,312,443, C>T. VCF-style: chr11-108312443-C-T. GRCh37 (hg19) VCF-style: chr11-108183170-C-T.
Other names: c.5951C>T, p.Thr1984Ile (NM_001351834.2); c.641-3372G>A (NM_001330368.2); c.*39-3372G>A (NM_001351110.2); short protein forms T1984I.
Identifiers: ClinVar variation 2774691 (VCV002774691.2), dbSNP rs770722380, ClinGen allele CA382548696.

ClinVar aggregate classification (germline): Uncertain significance. Review status: criteria provided, multiple submitters, no conflicts (2 of 4 stars). 2 submissions from 2 submitters: Uncertain significance (2). Last evaluated 2024-02-28.

Conditions:
Familial cancer of breast. Also called: BREAST CANCER, FAMILIAL; Hereditary breast cancer; hereditary breast carcinoma. Identifiers: Orphanet 227535, MedGen C0346153, MONDO:0016419, OMIM 114480. Disease mechanism: loss of function.
Hereditary cancer-predisposing syndrome. Also called: Tumor predisposition; Neoplastic Syndromes, Hereditary; Hereditary Cancer Syndrome; Hereditary neoplastic syndrome. Identifiers: Orphanet 140162, MedGen C0027672, MeSH D009386, MONDO:0015356.

gnomAD v4.1: 1 of 1,596,680 alleles (0.000063%); highest among the groups gnomAD compares: East Asian, 0.0022%; no homozygotes.

Submissions (2):

Baylor Genetics
Classification: Uncertain significance for Familial cancer of breast. Last evaluated: 2024-02-28. Review status: criteria provided, single submitter. Criteria: ACMG Guidelines, 2015. Collection method: clinical testing. Allele origin: unknown.

Color Diagnostics, LLC DBA Color Health
Classification: Uncertain significance for Hereditary cancer-predisposing syndrome. Last evaluated: 2023-07-10. Review status: criteria provided, single submitter. Criteria: ACMG Guidelines, 2015. Collection method: clinical testing. Allele origin: germline.
Comment: This missense variant replaces threonine with isoleucine at codon 1984 of the ATM protein. Computational prediction suggests that this variant may not impact protein structure and function (internally defined REVEL score threshold <= 0.5, PMID: 27666373). To our knowledge, functional studies have not been reported for this variant. This variant has not been reported in individuals affected with ATM-related disorders in the literature. This variant has not been identified in the general population by the Genome Aggregation Database (gnomAD). The available evidence is insufficient to determine the role of this variant in disease conclusively. Therefore, this variant is classified as a Variant of Uncertain Significance.